The following is an entry in ClinVar:

ClinVar aggregate classification (germline): Uncertain significance (1 of 4 stars; one submission).

Conditions:
Mowat-Wilson syndrome (MOWS). Also called: Classic Mowat-Wilson Syndrome. Identifiers: Orphanet 2152, MedGen C1856113, MONDO:0009341, OMIM 235730.

Allele frequency attached by ClinVar (database versions not stated): TOPMed below 0.00001.

Submission:

Labcorp Genetics (formerly Invitae), Labcorp
Classification: Uncertain significance for Mowat-Wilson syndrome. Last evaluated: 2023-10-12. Review status: criteria provided, single submitter. Criteria: Invitae Variant Classification Sherloc (09022015). Collection method: clinical testing. Allele origin: germline.
Comment: This sequence change replaces isoleucine, which is neutral and non-polar, with asparagine, which is neutral and polar, at codon 466 of the ZEB2 protein (p.Ile466Asn). This variant is not present in population databases (gnomAD no frequency). This variant has not been reported in the literature in individuals affected with ZEB2-related conditions. Advanced modeling of protein sequence and biophysical properties (such as structural, functional, and spatial information, amino acid conservation, physicochemical variation, residue mobility, and thermodynamic stability) has been performed at Invitae for this missense variant, however the output from this modeling did not meet the statistical confidence thresholds required to predict the impact of this variant on ZEB2 protein function. In summary, the available evidence is currently insufficient to determine the role of this variant in disease. Therefore, it has been classified as a Variant of Uncertain Significance.

NM_014795.4(ZEB2):c.1397T>A (p.Ile466Asn)

Gene: ZEB2 (zinc finger E-box binding homeobox 2; minus strand). Cytogenetic location: 2q22.3.
Variant type: single nucleotide variant.
Coding change: c.1397T>A on transcript NM_014795.4 (MANE Select); coding-DNA position 1397, T replaced by A.
Protein change: p.Ile466Asn; replaces isoleucine 466 with asparagine.
Molecular consequence: missense variant.
Genome position (GRCh38, 1-based): chr2:144,399,790, A>T on the plus strand (T>A on the coding strand, the complement: ZEB2 is on the minus strand). VCF-style: chr2-144399790-A-T. GRCh37 (hg19) VCF-style: chr2-145157357-A-T.
Other names: c.1325T>A, p.Ile442Asn (NM_001171653.2); short protein forms I466N, I442N.
Identifiers: ClinVar variation 2767757 (VCV002767757.3), dbSNP rs1703284654, ClinGen allele CA348711941.
Genomic context (GRCh38, chr2:144,399,790, plus strand): 5'-AACTTTGAAATTTCTTCAGCCTTGCAGTCCATTTTTTGCCTGGAAACAGTATTGTCCACA[A>T]TCTGTAGAACCTTTTGTACCTCACTTAAATTACTATTCATGGTGGGAAACCCAAGTAAAG-3'
Protein context (NP_055610.1, residues 456-476): NLSEVQKVLQ[Ile466Asn]VDNTVSRQKM